The following is an entry in ClinVar:

NM_020822.3(KCNT1):c.1258C>T (p.Leu420=)

Gene: KCNT1 (potassium sodium-activated channel subfamily T member 1; plus strand). Cytogenetic location: 9q34.3.
Variant type: single nucleotide variant.
Coding change: c.1258C>T on transcript NM_020822.3 (MANE Select); coding-DNA position 1258, C replaced by T.
Protein change: p.Leu420=; no amino-acid change (leucine 420 retained).
Molecular consequence: synonymous variant.
Genome position (GRCh38, 1-based): chr9:135,765,681, C>T. VCF-style: chr9-135765681-C-T. GRCh37 (hg19) VCF-style: chr9-138657527-C-T.
Other names: c.1123C>T, p.Leu375= (NM_001272003.2).
Identifiers: ClinVar variation 388105 (VCV000388105.58), dbSNP rs199996353, ClinGen allele CA5326837.

ClinVar aggregate classification (germline): Benign/Likely benign. Review status: criteria provided, multiple submitters, no conflicts (2 of 4 stars). 5 submissions from 5 submitters: Benign (1); Likely benign (4). Last evaluated 2025-11-25.

Conditions:
Inborn genetic diseases. Identifiers: MedGen C0950123, MeSH D030342.
Developmental and epileptic encephalopathy, 14 (DEE14). Also called: Early infantile epileptic encephalopathy 14. Identifiers: Orphanet 293181, MedGen C3554195, MONDO:0013989, OMIM 614959.
Autosomal dominant nocturnal frontal lobe epilepsy 5. Also called: CILIARY DYSKINESIA, PRIMARY, 28, WITHOUT SITUS INVERSUS; CILIARY DYSKINESIA, PRIMARY, 28, WITH SITUS INVERSUS; KCNT1-Related Epilepsy; Epilepsy, nocturnal frontal lobe, 5. Identifiers: Orphanet 98784, MedGen C3554306, MONDO:0014002, OMIM 615005.

Allele frequency attached by ClinVar (database versions not stated): gnomAD exomes 0.00026 and 0.00046; ESP Exome Variant Server 0.00031; gnomAD 0.00032; TOPMed 0.00032; ExAC 0.00044.
gnomAD v4.1: 452 of 1,610,900 alleles (0.028%); highest among the groups gnomAD compares: Admixed American, 0.015%; no homozygotes.

Submissions (5):

Labcorp Genetics (formerly Invitae), Labcorp
Classification: Likely benign for Autosomal dominant nocturnal frontal lobe epilepsy 5; Developmental and epileptic encephalopathy, 14. Last evaluated: 2025-11-25. Review status: criteria provided, single submitter. Criteria: Invitae Variant Classification Sherloc (09022015). Collection method: clinical testing. Allele origin: germline.

Blueprint Genetics
Classification: Likely benign. Last evaluated: 2024-11-26. Review status: criteria provided, single submitter. Criteria: ACMG Guidelines, 2015. Collection method: clinical testing. Allele origin: germline.

CeGaT Center for Human Genetics Tuebingen
Classification: Likely benign. Last evaluated: 2024-10-01. Review status: criteria provided, single submitter. Criteria: CeGaT Center For Human Genetics Tuebingen Variant Classification Criteria Version 2. Collection method: clinical testing. Allele origin: germline. Affected: yes. Observed: 3 variant alleles.
Comment: KCNT1: BP4, BP7

GeneDx
Classification: Benign. Last evaluated: 2019-06-11. Review status: criteria provided, single submitter. Criteria: GeneDx Variant Classification Process June 2021. Collection method: clinical testing. Allele origin: germline. Affected: yes.

Ambry Genetics
Classification: Likely benign for Inborn genetic diseases. Last evaluated: 2016-07-28. Review status: criteria provided, single submitter. Criteria: Ambry Variant Classification Scheme 2023. Collection method: clinical testing. Allele origin: germline.